The following is an entry in ClinVar:

NM_001042492.3(NF1):c.3944A>C (p.Gln1315Pro)

Gene: NF1 (neurofibromin 1; plus strand). Cytogenetic location: 17q11.2.
Variant type: single nucleotide variant.
Coding change: c.3944A>C on transcript NM_001042492.3 (MANE Select); coding-DNA position 3944, A replaced by C.
Protein change: p.Gln1315Pro; replaces glutamine 1315 with proline.
Molecular consequence: missense variant.
Genome position (GRCh38, 1-based): chr17:31,235,991, A>C. VCF-style: chr17-31235991-A-C. GRCh37 (hg19) VCF-style: chr17-29563009-A-C.
Other names: c.3944A>C, p.Gln1315Pro (NM_000267.4); short protein forms Q1315P.
Identifiers: ClinVar variation 1997528 (VCV001997528.3), dbSNP rs2151438651, ClinGen allele CA398993238.

ClinVar aggregate classification (germline): Uncertain significance (1 of 4 stars; one submission).

Conditions:
Neurofibromatosis, type 1 (NF1). Also called: Neurofibromatosis, type I; Peripheral type neurofibromatosis; NEUROFIBROMATOSIS, TYPE I, SOMATIC; VON RECKLINGHAUSEN DISEASE. Identifiers: Orphanet 636, MedGen C0027831, MONDO:0018975, OMIM 162200. Disease mechanism: loss of function.

Submission:

Labcorp Genetics (formerly Invitae), Labcorp
Classification: Uncertain significance for Neurofibromatosis, type 1. Last evaluated: 2022-05-21. Review status: criteria provided, single submitter. Criteria: Invitae Variant Classification Sherloc (09022015). Collection method: clinical testing. Allele origin: germline.
Comment: This variant is not present in population databases (gnomAD no frequency). This sequence change replaces glutamine, which is neutral and polar, with proline, which is neutral and non-polar, at codon 1315 of the NF1 protein (p.Gln1315Pro). This variant has not been reported in the literature in individuals affected with NF1-related conditions. In summary, the available evidence is currently insufficient to determine the role of this variant in disease. Therefore, it has been classified as a Variant of Uncertain Significance. Algorithms developed to predict the effect of missense changes on protein structure and function are either unavailable or do not agree on the potential impact of this missense change (SIFT: "Deleterious"; PolyPhen-2: "Benign"; Align-GVGD: "Class C0").